The following is an entry in ClinVar:

NM_005732.4(RAD50):c.1970-1_1972dup

Gene: RAD50 (RAD50 double strand break repair protein; plus strand). Cytogenetic location: 5q31.1.
Variant type: Duplication.
Coding change: c.1970-1_1972dup on transcript NM_005732.4 (MANE Select); the canonical splice acceptor site of the intron before coding-DNA position 1970 through coding-DNA position 1972, 4 bases duplicated (GCCA; older notation c.1970-1_1972dupGCCA).
Molecular consequence: splice acceptor variant.
Genome position (GRCh38, 1-based): chr5:132,595,572-132,595,575, GCCA duplicated; duplicating any 4 consecutive bases within chr5:132,595,571-132,595,575 gives the same sequence; the c. name uses the placement nearest the transcript's 3' end. VCF-style (leftmost placement, unchanged base first): chr5-132595570-T-TAGCC. GRCh37 (hg19) VCF-style: chr5-131931262-T-TAGCC.
Identifiers: ClinVar variation 482155 (VCV000482155.6), dbSNP rs1554098661, ClinGen allele CA658657515.

ClinVar aggregate classification (germline): Pathogenic. Review status: criteria provided, multiple submitters, no conflicts (2 of 4 stars). 2 submissions from 2 submitters: Pathogenic (2). Last evaluated 2025-09-29.

Conditions:
Hereditary cancer-predisposing syndrome. Also called: Neoplastic Syndromes, Hereditary; Tumor predisposition; Hereditary Cancer Syndrome; Hereditary neoplastic syndrome. Identifiers: Orphanet 140162, MedGen C0027672, MeSH D009386, MONDO:0015356.

Submissions (2):

Labcorp Genetics (formerly Invitae), Labcorp
Classification: Pathogenic for Hereditary cancer-predisposing syndrome. Last evaluated: 2025-09-29. Review status: criteria provided, single submitter. Criteria: Invitae Variant Classification Sherloc (09022015). Collection method: clinical testing. Allele origin: germline.
Comment: This sequence change creates a premature translational stop signal (p.Met658Serfs*37) in the RAD50 gene. It is expected to result in an absent or disrupted protein product. Loss-of-function variants in RAD50 are known to be pathogenic (PMID: 19409520). This variant is not present in population databases (gnomAD no frequency). This variant has not been reported in the literature in individuals affected with RAD50-related conditions. ClinVar contains an entry for this variant (Variation ID: 482155). For these reasons, this variant has been classified as Pathogenic.

Ambry Genetics
Classification: Pathogenic for Hereditary cancer-predisposing syndrome. Last evaluated: 2017-07-17. Review status: criteria provided, single submitter. Criteria: Ambry Variant Classification Scheme 2023. Collection method: clinical testing. Allele origin: germline.
Comment: The c.1970-1_1972dupGCCA pathogenic mutation, located in coding exon 13 of the RAD50 gene, results from a duplication of GCCA at nucleotide position 1970-1 to 1972 causing a translational frameshift with a predicted alternate stop codon. This alteration is expected to result in loss of function by premature protein truncation or nonsense-mediated mRNA decay. As such, this alteration is interpreted as a disease-causing mutation.

Literature cited by the submitters: PubMed 19409520 (cited by Labcorp Genetics (formerly Invitae), Labcorp).